The following is an entry in ClinVar:

NM_012335.4(MYO1F):c.798G>A (p.Pro266=)

Gene: MYO1F (myosin IF; minus strand). Cytogenetic location: 19p13.2.
Variant type: single nucleotide variant.
Coding change: c.798G>A on transcript NM_012335.4 (MANE Select); coding-DNA position 798, G replaced by A.
Protein change: p.Pro266=; no amino-acid change (proline 266 retained).
Molecular consequence: synonymous variant.
Genome position (GRCh38, 1-based): chr19:8,550,668, C>T on the plus strand (G>A on the coding strand, the complement: MYO1F is on the minus strand). VCF-style: chr19-8550668-C-T. GRCh37 (hg19) VCF-style: chr19-8615552-C-T.
Other names: c.786G>A, p.Pro262= (NM_001348355.2).
Identifiers: ClinVar variation 2649207 (VCV002649207.24), dbSNP rs201962739, ClinGen allele CA9159524.
Genomic context (GRCh38, chr19:8,550,668, plus strand): 5'-GATGTTCCCCAGGTGCAAGATCCCCGCCACGAGCTGCAGGACCAGCTGCTGGATGCTGGG[C>T]GGGATCCCAATAACCTGCATAGCACTCTGTGGTACAACGGGGGCAGAAACTGTGCCGTGA-3'
Protein context (NP_036467.2, residues 256-276): TLSAMQVIGI[Pro266=]PSIQQLVLQL

ClinVar aggregate classification (germline): Likely benign (1 of 4 stars; one submission).

Allele frequency attached by ClinVar (database versions not stated): 1000 Genomes Project 0.00040; 1000 Genomes Project 30x 0.00047; gnomAD 0.00102; gnomAD exomes 0.00113; TOPMed 0.00113; ESP Exome Variant Server 0.00121; ExAC 0.00124.
gnomAD v4.1: 1,842 of 1,614,078 alleles (0.11%); highest among the groups gnomAD compares: Middle Eastern, 0.84%; 4 homozygotes.

Submission:

CeGaT Center for Human Genetics Tuebingen
Classification: Likely benign. Last evaluated: 2022-07-01. Review status: criteria provided, single submitter. Criteria: CeGaT Center For Human Genetics Tuebingen Variant Classification Criteria Version 2. Collection method: clinical testing. Allele origin: germline. Affected: yes. Observed: 1 variant allele.
Comment: MYO1F: BP4, BP7